The following is an entry in ClinVar:

NM_000455.5(STK11):c.924G>C (p.Trp308Cys)

Gene: STK11 (serine/threonine kinase 11; plus strand). Cytogenetic location: 19p13.3.
Variant type: single nucleotide variant.
Coding change: c.924G>C on transcript NM_000455.5 (MANE Select); coding-DNA position 924, G replaced by C.
Protein change: p.Trp308Cys; replaces tryptophan 308 with cysteine.
Molecular consequence: missense variant.
Genome position (GRCh38, 1-based): chr19:1,222,988, G>C. VCF-style: chr19-1222988-G-C. GRCh37 (hg19) VCF-style: chr19-1222987-G-C.
Other names: c.924G>C (NM_000455.4); short protein forms W308C.
Identifiers: ClinVar variation 5030321 (VCV005030321.1), dbSNP rs1057520042.
Genomic context (GRCh38, chr19:1,222,988, plus strand): 5'-AAACTGGACCGCCCTGGTGCCAGCCTGACAGGCGCCACTGCTTCTGGGCGTTTGCAGCTG[G>C]TTCCGGAAGAAACATCCTCCGGCTGAAGCACCAGTGCCCATCCCACCGAGCCCAGACACC-3'
Protein context (NP_000446.1, residues 298-318): FSIRQIRQHS[Trp308Cys]FRKKHPPAEA

ClinVar aggregate classification (germline): Likely pathogenic (1 of 4 stars; one submission).

Conditions:
Hereditary cancer-predisposing syndrome. Also called: Neoplastic Syndromes, Hereditary; Tumor predisposition; Hereditary Cancer Syndrome; Hereditary neoplastic syndrome. Identifiers: Orphanet 140162, MedGen C0027672, MeSH D009386, MONDO:0015356.

Submission:

Ambry Genetics
Classification: Likely pathogenic for Hereditary cancer-predisposing syndrome. Last evaluated: 2026-09-08. Review status: criteria provided, single submitter. Criteria: Ambry Variant Classification Scheme 2023. Collection method: clinical testing. Allele origin: germline.
Comment: The p.W308C variant (also known as c.924G>C), located in coding exon 8 of the STK11 gene, results from a G to C substitution at nucleotide position 924. The tryptophan at codon 308 is replaced by cysteine, an amino acid with highly dissimilar properties. This variant was reported in individual(s) with features consistent with Peutz-Jeghers syndrome (Chen C et al. Med Sci Monit, 2016 Oct;22:3628-3640). This amino acid position is highly conserved in available vertebrate species. In addition, this alteration is predicted to be deleterious by in silico analysis. Based on the majority of available evidence to date, this variant is likely to be pathogenic.

Literature cited by the submitters: PubMed 27721366.